The following is an entry in ClinVar:

ClinVar aggregate classification (germline): Likely pathogenic (1 of 4 stars; one submission).

Submission:

Labcorp Genetics (formerly Invitae), Labcorp
Classification: Likely pathogenic. Last evaluated: 2021-11-18. Review status: criteria provided, single submitter. Criteria: Invitae Variant Classification Sherloc (09022015). Collection method: clinical testing. Allele origin: germline.
Comment: This sequence change affects an acceptor splice site in intron 7 of the ATR gene. It is expected to disrupt RNA splicing. Variants that disrupt the donor or acceptor splice site typically lead to a loss of protein function (PMID: 16199547), and loss-of-function variants in ATR are known to be pathogenic (PMID: 21228398, 23144622). This variant is not present in population databases (gnomAD no frequency). This variant has not been reported in the literature in individuals affected with ATR-related conditions. Algorithms developed to predict the effect of sequence changes on RNA splicing suggest that this variant may disrupt the consensus splice site. In summary, the currently available evidence indicates that the variant is pathogenic, but additional data are needed to prove that conclusively. Therefore, this variant has been classified as Likely Pathogenic.

Literature cited by the submitters: PubMed 16199547; PubMed 21228398; PubMed 23144622.

NM_001184.4(ATR):c.1733-1G>A

Gene: ATR (ATR checkpoint kinase; minus strand). Cytogenetic location: 3q23.
Variant type: single nucleotide variant.
Coding change: c.1733-1G>A on transcript NM_001184.4 (MANE Select); the canonical splice acceptor site of the intron before coding-DNA position 1733, G replaced by A.
Molecular consequence: splice acceptor variant.
Genome position (GRCh38, 1-based): chr3:142,558,777, C>T on the plus strand (G>A on the coding strand, the complement: ATR is on the minus strand). VCF-style: chr3-142558777-C-T. GRCh37 (hg19) VCF-style: chr3-142277619-C-T.
Other names: c.1541-1G>A (NM_001354579.2).
Identifiers: ClinVar variation 1485092 (VCV001485092.6), dbSNP rs2108478067, ClinGen allele CA354821571.